The following is an entry in ClinVar:

ClinVar aggregate classification (germline): Uncertain significance (1 of 4 stars; one submission).

Submission:

GeneDx
Classification: Uncertain significance. Last evaluated: 2017-05-09. Review status: criteria provided, single submitter. Criteria: GeneDx Variant Classification (06012015). Collection method: clinical testing. Allele origin: germline. Affected: yes.
Comment: The P553T variant in the RERE gene has not been reported previously as a pathogenic variant, nor as a benign variant, to our knowledge. The P553T variant is not observed in large population cohorts (Lek et al., 2016; 1000 Genomes Consortium et al., 2015; Exome Variant Server). The P553T variant is a non-conservative amino acid substitution, which is likely to impact secondary protein structure as these residues differ in polarity, charge, size and/or other properties. This substitution occurs at a position that is conserved across species. In silico analysis predicts this variant is probably damaging to the protein structure/function. We interpret P553T as a variant of uncertain significance.

NM_001042681.2(RERE):c.1657C>A (p.Pro553Thr)

Gene: RERE (arginine-glutamic acid dipeptide repeats; minus strand). Cytogenetic location: 1p36.23.
Variant type: single nucleotide variant.
Coding change: c.1657C>A on transcript NM_001042681.2 (MANE Select); coding-DNA position 1657, C replaced by A.
Protein change: p.Pro553Thr; replaces proline 553 with threonine.
Molecular consequence: missense variant. On other transcripts: 5 prime UTR variant (1).
Genome position (GRCh38, 1-based): chr1:8,364,139, G>T on the plus strand (C>A on the coding strand, the complement: RERE is on the minus strand). VCF-style: chr1-8364139-G-T. GRCh37 (hg19) VCF-style: chr1-8424199-G-T.
Other names: c.-6C>A (NM_001042682.2); c.1657C>A, p.Pro553Thr (NM_012102.4); short protein forms P553T.
Identifiers: ClinVar variation 429613 (VCV000429613.2), dbSNP rs1131691493, ClinGen allele CA338174283.